The following is an entry in ClinVar:

ClinVar aggregate classification (germline): Conflicting classifications of pathogenicity. Review status: criteria provided, conflicting classifications (1 of 4 stars). 2 submissions from 2 submitters: Uncertain significance (1); Likely benign (1). Last evaluated 2024-02-09.

Conditions:
Fanconi anemia (FA). Also called: Fanconi's anemia. Identifiers: Orphanet 84, MedGen C0015625, MeSH D005199, MONDO:0019391.

Allele frequency attached by ClinVar (database versions not stated): TOPMed below 0.00001; ExAC 0.00001; gnomAD exomes 0.00001.

Submissions (2):

Labcorp Genetics (formerly Invitae), Labcorp
Classification: Likely benign for Fanconi anemia. Last evaluated: 2024-02-09. Review status: criteria provided, single submitter. Criteria: Invitae Variant Classification Sherloc (09022015). Collection method: clinical testing. Allele origin: germline.

Quest Diagnostics Nichols Institute San Juan Capistrano
Classification: Uncertain significance. Last evaluated: 2022-12-09. Review status: criteria provided, single submitter. Criteria: Quest Diagnostics criteria. Collection method: clinical testing. Allele origin: unknown.
Comment: To the best of our knowledge, the variant has not been reported in the published literature. The frequency of this variant in the general population, 0.000008 (2/251404 chromosomes), is uninformative in assessment of its pathogenicity. Analysis of this variant using software algorithms for the prediction of the effect of nucleotide changes on splicing yielded predictions that this variant does not affect FANCA mRNA splicing . Based on the available information, we are unable to determine the clinical significance of this variant.

NM_000135.4(FANCA):c.3934+10dup

Genes: FANCA (FA complementation group A; minus strand), ZNF276 (zinc finger protein 276; plus strand). Cytogenetic location: 16q24.3.
Variant type: Duplication.
Coding change: c.3934+10dup on transcript NM_000135.4 (MANE Select); 10 bases into the intron after coding-DNA position 3934, one base duplicated (A; older notation c.3934+10dupA).
Molecular consequence: intron variant. On other transcripts: 3 prime UTR variant (2), non-coding transcript variant (4).
Genome position (GRCh38, 1-based): chr16:89,739,984, T duplicated on the plus strand (A on the coding strand, the reverse complement: FANCA is on the minus strand). VCF-style (leftmost placement, unchanged base first): chr16-89739983-G-GT. GRCh37 (hg19) VCF-style: chr16-89806391-G-GT.
Other names: c.*1738dup (NM_001113525.2, NM_152287.4); c.3934+10dup (NM_001286167.3).
Identifiers: ClinVar variation 1458175 (VCV001458175.9), dbSNP rs755153673, ClinGen allele CA8250906.
Genomic context (GRCh38, chr16:89,739,983, plus strand): 5'-CTTAACCATTTGCAAGATGCCTCTGAAAAGAGCGGCCCTCCGCATTTGTGCCTCAGCAGC[G>GT]TGTTTCTTACCACTCTCTGTCAACTGAAAGAGTGCCAGCCAGGATATCTTCCTCTTCTCT-3'